The following is an entry in ClinVar:

NC_000002.11:g.(?_240900535)_(240900623_?)dup

Gene: NDUFA10 (NADH:ubiquinone oxidoreductase subunit A10; minus strand). Cytogenetic location: 2q37.3.
Variant type: Duplication.
Identifiers: ClinVar variation 1411213 (VCV001411213.5).

ClinVar aggregate classification (germline): Uncertain significance (1 of 4 stars; one submission).

Submission:

Labcorp Genetics (formerly Invitae), Labcorp
Classification: Uncertain significance. Last evaluated: 2023-10-03. Review status: criteria provided, single submitter. Criteria: Invitae Variant Classification Sherloc (09022015). Collection method: clinical testing. Allele origin: germline.
Comment: This variant results in a copy number gain of the genomic region encompassing exon(s) 10 of the NDUFA10 gene. This region includes the termination codon of the gene. This copy number gain extends beyond the assayed region for this gene and therefore may encompass additional genes. As the precise location of this event is unknown, it may be in tandem or it may be located elsewhere in the genome. This variant has not been reported in the literature in individuals affected with NDUFA10-related conditions. Experimental studies and prediction algorithms are not available or were not evaluated, and the functional significance of this variant is currently unknown. In summary, the available evidence is currently insufficient to determine the role of this variant in disease. Therefore, it has been classified as a Variant of Uncertain Significance.